The following is an entry in ClinVar:

NM_004304.5(ALK):c.4102C>T (p.His1368Tyr)

Gene: ALK (ALK receptor tyrosine kinase; minus strand). Cytogenetic location: 2p23.2.
Variant type: single nucleotide variant.
Coding change: c.4102C>T on transcript NM_004304.5 (MANE Select); coding-DNA position 4102, C replaced by T.
Protein change: p.His1368Tyr; replaces histidine 1368 with tyrosine.
Molecular consequence: missense variant.
Genome position (GRCh38, 1-based): chr2:29,196,832, G>A on the plus strand (C>T on the coding strand, the complement: ALK is on the minus strand). VCF-style: chr2-29196832-G-A. GRCh37 (hg19) VCF-style: chr2-29419698-G-A.
Other names: c.898C>T, p.His300Tyr (NM_001353765.2); c.4102C>T (NM_004304.4); short protein forms H1368Y, H300Y.
Identifiers: ClinVar variation 2762716 (VCV002762716.4), dbSNP rs2148141915, ClinGen allele CA346465270.

ClinVar aggregate classification (germline): Uncertain significance. Review status: criteria provided, multiple submitters, no conflicts (2 of 4 stars). 2 submissions from 2 submitters: Uncertain significance (2). Last evaluated 2025-10-02.

Conditions:
Hereditary cancer-predisposing syndrome. Also called: Hereditary neoplastic syndrome; Hereditary Cancer Syndrome; Neoplastic Syndromes, Hereditary; Tumor predisposition. Identifiers: Orphanet 140162, MedGen C0027672, MeSH D009386, MONDO:0015356.
Neuroblastoma, susceptibility to, 3. Also called: ALK-Related Neuroblastic Tumor Susceptibility. Identifiers: Orphanet 635, MedGen C2751681, MONDO:0013083, OMIM 613014.

Submissions (2):

Ambry Genetics
Classification: Uncertain significance for Hereditary cancer-predisposing syndrome. Last evaluated: 2025-10-02. Review status: criteria provided, single submitter. Criteria: Ambry Variant Classification Scheme 2023. Collection method: clinical testing. Allele origin: germline.
Comment: The p.H1368Y variant (also known as c.4102C>T), located in coding exon 28 of the ALK gene, results from a C to T substitution at nucleotide position 4102. The histidine at codon 1368 is replaced by tyrosine, an amino acid with similar properties. This amino acid position is conserved. In addition, this alteration is predicted to be deleterious by in silico analysis. Based on the available evidence, the clinical significance of this variant remains unclear.

Labcorp Genetics (formerly Invitae), Labcorp
Classification: Uncertain significance for Neuroblastoma, susceptibility to, 3. Last evaluated: 2023-09-22. Review status: criteria provided, single submitter. Criteria: Invitae Variant Classification Sherloc (09022015). Collection method: clinical testing. Allele origin: germline.
Comment: This variant is not present in population databases (gnomAD no frequency). This sequence change replaces histidine, which is basic and polar, with tyrosine, which is neutral and polar, at codon 1368 of the ALK protein (p.His1368Tyr). This variant has not been reported in the literature in individuals affected with ALK-related conditions. An algorithm developed to predict the effect of missense changes on protein structure and function (PolyPhen-2) suggests that this variant is likely to be disruptive. In summary, the available evidence is currently insufficient to determine the role of this variant in disease. Therefore, it has been classified as a Variant of Uncertain Significance.